The following is an entry in ClinVar:

NM_012186.3(FOXE3):c.128A>C (p.Glu43Ala)

Genes: FOXE3 (forkhead box E3; plus strand), LINC01389 (long independently transcribed non-coding RNA 1389; minus strand). Cytogenetic location: 1p33.
Variant type: single nucleotide variant.
Coding change: c.128A>C on transcript NM_012186.3 (MANE Select); coding-DNA position 128, A replaced by C.
Protein change: p.Glu43Ala; replaces glutamic acid 43 with alanine.
Molecular consequence: missense variant.
Genome position (GRCh38, 1-based): chr1:47,416,443, A>C. VCF-style: chr1-47416443-A-C. GRCh37 (hg19) VCF-style: chr1-47882115-A-C.
Other names: short protein forms E43A.
Identifiers: ClinVar variation 284289 (VCV000284289.8), dbSNP rs886042841, ClinGen allele CA10604752.
Genomic context (GRCh38, chr1:47,416,443, plus strand): 5'-CGCCGTCGGGGCCGCCGCCGTCGCCGCTCGCAGGAGCCGAGCCAGGGCGGGAGCCAGAGG[A>C]GGCGGCGGCTGGCCGCGGAGAGGCGGCCCCCACGCCCGCGCCCGGCCCGGGGCGGCGGCG-3'
Protein context (NP_036318.1, residues 33-53): AGAEPGREPE[Glu43Ala]AAAGRGEAAP

ClinVar aggregate classification (germline): Uncertain significance. Review status: criteria provided, multiple submitters, no conflicts (2 of 4 stars). 2 submissions from 2 submitters: Uncertain significance (2). Last evaluated 2022-12-10.

Conditions:
Congenital primary aphakia. Also called: ANTERIOR SEGMENT DYSGENESIS 2; Anterior segment dysgenesis 2, multiple subtypes. Identifiers: Orphanet 83461, MedGen C1853230, MONDO:0012456, OMIM 610256.
Anterior segment dysgenesis. Also called: Ocular anterior segment dysgenesis. Identifiers: Orphanet 88632, MedGen C1862839, MONDO:0019503, HP:0007700.

Submissions (2):

Labcorp Genetics (formerly Invitae), Labcorp
Classification: Uncertain significance for Anterior segment dysgenesis; Congenital primary aphakia. Last evaluated: 2022-12-10. Review status: criteria provided, single submitter. Criteria: Invitae Variant Classification Sherloc (09022015). Collection method: clinical testing. Allele origin: germline.
Comment: ClinVar contains an entry for this variant (Variation ID: 284289). Advanced modeling of protein sequence and biophysical properties (such as structural, functional, and spatial information, amino acid conservation, physicochemical variation, residue mobility, and thermodynamic stability) performed at Invitae indicates that this missense variant is not expected to disrupt FOXE3 protein function. In summary, the available evidence is currently insufficient to determine the role of this variant in disease. Therefore, it has been classified as a Variant of Uncertain Significance. This variant has not been reported in the literature in individuals affected with FOXE3-related conditions. This sequence change replaces glutamic acid, which is acidic and polar, with alanine, which is neutral and non-polar, at codon 43 of the FOXE3 protein (p.Glu43Ala). The frequency data for this variant in the population databases is considered unreliable, as metrics indicate insufficient coverage at this position in the gnomAD database.

Eurofins Ntd Llc (ga)
Classification: Uncertain significance. Last evaluated: 2015-11-18. Review status: criteria provided, single submitter. Criteria: EGL Classification Definitions 2015. Collection method: clinical testing. Allele origin: germline. Observed: 1 variant allele, 1 heterozygote.